The following is an entry in ClinVar:

NM_003873.7(NRP1):c.469G>A (p.Val157Met)

Genes: NRP1 (neuropilin 1; minus strand), LOC126860910 (P300/CBP strongly-dependent group 1 enhancer GRCh37_chr10:33552654-33553853; plus strand). Cytogenetic location: 10p11.22.
Variant type: single nucleotide variant.
Coding change: c.469G>A on transcript NM_003873.7 (MANE Select); coding-DNA position 469, G replaced by A.
Protein change: p.Val157Met; replaces valine 157 with methionine.
Molecular consequence: missense variant. On other transcripts: non-coding transcript variant (1).
Genome position (GRCh38, 1-based): chr10:33,263,835, C>T on the plus strand (G>A on the coding strand, the complement: NRP1 is on the minus strand). VCF-style: chr10-33263835-C-T. GRCh37 (hg19) VCF-style: chr10-33552763-C-T.
Other names: c.469G>A, p.Val157Met (NM_001024628.3, NM_001024629.3, NM_001244972.2 and 2 more transcripts); short protein forms V157M.
Identifiers: ClinVar variation 3348053 (VCV003348053.2).
Genomic context (GRCh38, chr10:33,263,835, plus strand): 5'-CAATATAAGTGCATTCAAGGCTGTTGGGATATTTTTCAGGGAATCCGGGGGACTTTATCA[C>T]TCCACTAGGTGTTGTGTAGTTCTGGGAACATTCAGGACCTATGAGTAGAAGAGAAAAAGG-3'
Protein context (NP_003864.5, residues 147-167): CSQNYTTPSG[Val157Met]IKSPGFPEKY

ClinVar aggregate classification (germline): Uncertain significance. Review status: criteria provided, single submitter (1 of 4 stars). 2 submissions from 2 submitters: Uncertain significance (1). 1 of the submissions does not count toward it. Last evaluated 2024-10-09.

Conditions:
NRP1-related disorder. Also called: NRP1-related condition.

gnomAD v4.1: 3 of 1,613,632 alleles (0.00019%); highest among the groups gnomAD compares: East Asian, 0.0022%; no homozygotes.

Submissions (2):

Ambry Genetics
Classification: Uncertain significance. Last evaluated: 2024-10-09. Review status: criteria provided, single submitter. Criteria: Ambry Variant Classification Scheme 2023. Collection method: clinical testing. Allele origin: germline.

PreventionGenetics, part of Exact Sciences
Classification: Uncertain significance for NRP1-related condition. Last evaluated: 2024-03-20. Review status: no assertion criteria provided. Collection method: clinical testing. Allele origin: germline. Not counted in ClinVar's aggregate classification.
Comment: The NRP1 c.469G>A variant is predicted to result in the amino acid substitution p.Val157Met. To our knowledge, this variant has not been reported in the literature. This variant is reported in 0.011% of alleles in individuals of East Asian descent in gnomAD. At this time, the clinical significance of this variant is uncertain due to the absence of conclusive functional and genetic evidence.